The following is an entry in ClinVar:

ClinVar aggregate classification (germline): Benign. Review status: criteria provided, multiple submitters, no conflicts (2 of 4 stars). 3 submissions from 3 submitters: Benign (3). Last evaluated 2026-09-21.

Allele frequency attached by ClinVar (database versions not stated): gnomAD 0.05502 and 0.05629; ExAC 0.05823; 1000 Genomes Project 0.03135; TOPMed 0.05119; ESP Exome Variant Server 0.06320; 1000 Genomes Project 30x 0.03248; gnomAD exomes 0.05695 and 0.07212.
gnomAD v4.1: 113,165 of 1,611,258 alleles (7%); highest among the groups gnomAD compares: Non-Finnish European, 8.2%; 4,655 homozygotes.

Submissions (3):

Molecular Diagnostic Laboratory for Inherited Cardiovascular Disease, Montreal Heart Institute
Classification: Benign. Last evaluated: 2026-09-21. Review status: criteria provided, single submitter. Criteria: ACMG Guidelines, 2015. Collection method: clinical testing. Allele origin: germline. Affected: no.
Comment: BA1

GeneDx
Classification: Benign. Last evaluated: 2018-06-26. Review status: criteria provided, single submitter. Criteria: GeneDx Variant Classification Process June 2021. Collection method: clinical testing. Allele origin: germline. Affected: yes.

Breakthrough Genomics
Classification: Benign. Review status: criteria provided, single submitter. Criteria: ACMG Guidelines, 2015. Collection method: not provided. Allele origin: germline. Inheritance: Autosomal recessive inheritance. Affected: yes.

NM_001267550.2(TTN):c.295+35C>T

Gene: TTN (titin; minus strand). Cytogenetic location: 2q31.2.
Variant type: single nucleotide variant.
Coding change: c.295+35C>T on transcript NM_001267550.2 (MANE Select); 35 bases into the intron after coding-DNA position 295, C replaced by T.
Molecular consequence: intron variant.
Genome position (GRCh38, 1-based): chr2:178,802,103, G>A on the plus strand (C>T on the coding strand, the complement: TTN is on the minus strand). VCF-style: chr2-178802103-G-A. GRCh37 (hg19) VCF-style: chr2-179666830-G-A.
Other names: c.295+35C>T (NM_003319.4, NM_133437.4, NM_133432.3 and 3 more transcripts).
Identifiers: ClinVar variation 1281554 (VCV001281554.3), dbSNP rs68003004, ClinGen allele CA2006360.